The following is an entry in ClinVar:

NM_000435.3(NOTCH3):c.4328_4340dup (p.Ser1447fs)

Gene: NOTCH3 (notch receptor 3; minus strand). Cytogenetic location: 19p13.12.
Variant type: Duplication.
Coding change: c.4328_4340dup on transcript NM_000435.3 (MANE Select); coding-DNA positions 4328 to 4340, 13 bases duplicated (ACCCCGCCTGCAG).
Protein change: p.Ser1447fs; shifts the reading frame from serine 1447.
Molecular consequence: frameshift variant.
Genome position (GRCh38, 1-based): chr19:15,177,588-15,177,600, CTGCAGGCGGGGT duplicated on the plus strand (ACCCCGCCTGCAG on the coding strand, the reverse complement: NOTCH3 is on the minus strand); duplicating any 13 consecutive bases within chr19:15,177,588-15,177,601 gives the same sequence; the c. name uses the placement nearest the transcript's 3' end. VCF-style (leftmost placement, unchanged base first): chr19-15177587-G-GCTGCAGGCGGGGT. GRCh37 (hg19) VCF-style: chr19-15288398-G-GCTGCAGGCGGGGT.
Other names: short protein forms S1447fs.
Identifiers: ClinVar variation 3366175 (VCV003366175.1).

ClinVar aggregate classification (germline): Pathogenic (1 of 4 stars; one submission).

Submission:

GeneDx
Classification: Pathogenic. Last evaluated: 2023-10-18. Review status: criteria provided, single submitter. Criteria: GeneDx Variant Classification Process June 2021. Collection method: clinical testing. Allele origin: germline. Affected: yes.
Comment: Frameshift variant predicted to result in protein truncation or nonsense mediated decay in a gene for which loss of function is a known mechanism of disease; Not observed at significant frequency in large population cohorts (gnomAD); Has not been previously published as pathogenic or benign to our knowledge